The following is an entry in ClinVar:

ClinVar aggregate classification (germline): Uncertain significance. Review status: criteria provided, multiple submitters, no conflicts (2 of 4 stars). 2 submissions from 2 submitters: Uncertain significance (2). Last evaluated 2024-09-16.

Conditions:
Neutrophil immunodeficiency syndrome. Also called: Immunodeficiency 73A with defective neutrophil chemotaxis and leukocytosis. Identifiers: Orphanet 183707, MedGen C1842398, MONDO:0011988, OMIM 608203.

Submissions (2):

Revvity Omics, Revvity
Classification: Uncertain significance. Last evaluated: 2024-09-16. Review status: criteria provided, single submitter. Criteria: ACMG Guidelines, 2015. Collection method: clinical testing. Allele origin: germline.

Labcorp Genetics (formerly Invitae), Labcorp
Classification: Uncertain significance for Neutrophil immunodeficiency syndrome. Last evaluated: 2024-06-23. Review status: criteria provided, single submitter. Criteria: Invitae Variant Classification Sherloc (09022015). Collection method: clinical testing. Allele origin: germline.
Comment: This sequence change replaces cysteine, which is neutral and slightly polar, with tryptophan, which is neutral and slightly polar, at codon 18 of the RAC2 protein (p.Cys18Trp). This variant is not present in population databases (gnomAD no frequency). This variant has not been reported in the literature in individuals affected with RAC2-related conditions. ClinVar contains an entry for this variant (Variation ID: 1524605). Advanced modeling of protein sequence and biophysical properties (such as structural, functional, and spatial information, amino acid conservation, physicochemical variation, residue mobility, and thermodynamic stability) performed at Invitae indicates that this missense variant is expected to disrupt RAC2 protein function with a positive predictive value of 95%. In summary, the available evidence is currently insufficient to determine the role of this variant in disease. Therefore, it has been classified as a Variant of Uncertain Significance.

NM_002872.5(RAC2):c.54C>G (p.Cys18Trp)

Gene: RAC2 (Rac family small GTPase 2; minus strand). Cytogenetic location: 22q13.1.
Variant type: single nucleotide variant.
Coding change: c.54C>G on transcript NM_002872.5 (MANE Select); coding-DNA position 54, C replaced by G.
Protein change: p.Cys18Trp; replaces cysteine 18 with tryptophan.
Molecular consequence: missense variant.
Genome position (GRCh38, 1-based): chr22:37,241,640, G>C on the plus strand (C>G on the coding strand, the complement: RAC2 is on the minus strand). VCF-style: chr22-37241640-G-C. GRCh37 (hg19) VCF-style: chr22-37637680-G-C.
Other names: short protein forms C18W.
Identifiers: ClinVar variation 1524605 (VCV001524605.9), dbSNP rs1927395509, ClinGen allele CA411444037.